The following is an entry in ClinVar:

ClinVar aggregate classification (germline): Conflicting classifications of pathogenicity. Review status: criteria provided, conflicting classifications (1 of 4 stars). 2 submissions from 2 submitters: Uncertain significance (1); Likely benign (1). Last evaluated 2024-09-02.

Allele frequency attached by ClinVar (database versions not stated): gnomAD exomes below 0.00001.
gnomAD v4.1: 1 of 1,614,140 alleles (0.000062%); highest among the groups gnomAD compares: Non-Finnish European, 0.000085%; no homozygotes.

Submissions (2):

Blueprint Genetics
Classification: Likely benign. Last evaluated: 2024-09-02. Review status: criteria provided, single submitter. Criteria: ACMG Guidelines, 2015. Collection method: clinical testing. Allele origin: germline.

Labcorp Genetics (formerly Invitae), Labcorp
Classification: Uncertain significance. Last evaluated: 2024-01-18. Review status: criteria provided, single submitter. Criteria: Invitae Variant Classification Sherloc (09022015). Collection method: clinical testing. Allele origin: germline.
Comment: This sequence change affects codon 546 of the MARS2 mRNA. It is a 'silent' change, meaning that it does not change the encoded amino acid sequence of the MARS2 protein. This variant is present in population databases (no rsID available, gnomAD 0.0009%). This variant has not been reported in the literature in individuals affected with MARS2-related conditions. In summary, the available evidence is currently insufficient to determine the role of this variant in disease. Therefore, it has been classified as a Variant of Uncertain Significance.

NM_138395.4(MARS2):c.1638G>A (p.Arg546=)

Gene: MARS2 (methionyl-tRNA synthetase 2, mitochondrial; plus strand). Cytogenetic location: 2q33.1.
Variant type: single nucleotide variant.
Coding change: c.1638G>A on transcript NM_138395.4 (MANE Select); coding-DNA position 1638, G replaced by A.
Protein change: p.Arg546=; no amino-acid change (arginine 546 retained).
Molecular consequence: synonymous variant.
Genome position (GRCh38, 1-based): chr2:197,707,043, G>A. VCF-style: chr2-197707043-G-A. GRCh37 (hg19) VCF-style: chr2-198571767-G-A.
Identifiers: ClinVar variation 2964341 (VCV002964341.4), dbSNP rs1319821884, ClinGen allele CA430823513.